The following is an entry in ClinVar:

NM_003924.4(PHOX2B):c.590G>T (p.Gly197Val)

Gene: PHOX2B (paired like homeobox 2B; minus strand). Cytogenetic location: 4p13.
Variant type: single nucleotide variant.
Coding change: c.590G>T on transcript NM_003924.4 (MANE Select); coding-DNA position 590, G replaced by T.
Protein change: p.Gly197Val; replaces glycine 197 with valine.
Molecular consequence: missense variant.
Genome position (GRCh38, 1-based): chr4:41,746,162, C>A on the plus strand (G>T on the coding strand, the complement: PHOX2B is on the minus strand). VCF-style: chr4-41746162-C-A. GRCh37 (hg19) VCF-style: chr4-41748179-C-A.
Other names: short protein forms G197V.
Identifiers: ClinVar variation 1022919 (VCV001022919.11), dbSNP rs104893856, ClinGen allele CA356737854.

ClinVar aggregate classification (germline): Uncertain significance. Review status: criteria provided, multiple submitters, no conflicts (2 of 4 stars). 2 submissions from 2 submitters: Uncertain significance (2). Last evaluated 2022-12-17.

Conditions:
Haddad syndrome (OHD). Also called: Ondine-Hirschsprung disease. Identifiers: Orphanet 99803, MedGen C1859049, MONDO:0020493.
Hereditary cancer-predisposing syndrome. Also called: Hereditary Cancer Syndrome; Neoplastic Syndromes, Hereditary; Tumor predisposition; Hereditary neoplastic syndrome. Identifiers: Orphanet 140162, MedGen C0027672, MeSH D009386, MONDO:0015356.

Submissions (2):

Labcorp Genetics (formerly Invitae), Labcorp
Classification: Uncertain significance for Haddad syndrome. Last evaluated: 2022-12-17. Review status: criteria provided, single submitter. Criteria: Invitae Variant Classification Sherloc (09022015). Collection method: clinical testing. Allele origin: germline.
Comment: Advanced modeling of protein sequence and biophysical properties (such as structural, functional, and spatial information, amino acid conservation, physicochemical variation, residue mobility, and thermodynamic stability) performed at Invitae indicates that this missense variant is not expected to disrupt PHOX2B protein function. ClinVar contains an entry for this variant (Variation ID: 1022919). This variant has not been reported in the literature in individuals affected with PHOX2B-related conditions. This variant is not present in population databases (gnomAD no frequency). This sequence change replaces glycine, which is neutral and non-polar, with valine, which is neutral and non-polar, at codon 197 of the PHOX2B protein (p.Gly197Val). In summary, the available evidence is currently insufficient to determine the role of this variant in disease. Therefore, it has been classified as a Variant of Uncertain Significance.

Ambry Genetics
Classification: Uncertain significance for Hereditary cancer-predisposing syndrome. Last evaluated: 2022-01-11. Review status: criteria provided, single submitter. Criteria: Ambry Variant Classification Scheme 2023. Collection method: clinical testing. Allele origin: germline.
Comment: The p.G197V variant (also known as c.590G>T), located in coding exon 3 of the PHOX2B gene, results from a G to T substitution at nucleotide position 590. The glycine at codon 197 is replaced by valine, an amino acid with dissimilar properties. This amino acid position is conserved. In addition, this alteration is predicted to be deleterious by in silico analysis. Since supporting evidence is limited at this time, the clinical significance of this alteration remains unclear.